The following is an entry in ClinVar:

NM_000088.4(COL1A1):c.1354-1G>C

Gene: COL1A1 (collagen type I alpha 1 chain; minus strand). Cytogenetic location: 17q21.33.
Variant type: single nucleotide variant.
Coding change: c.1354-1G>C on transcript NM_000088.4 (MANE Select); the canonical splice acceptor site of the intron before coding-DNA position 1354, G replaced by C.
Molecular consequence: splice acceptor variant.
Genome position (GRCh38, 1-based): chr17:50,194,829, C>G on the plus strand (G>C on the coding strand, the complement: COL1A1 is on the minus strand). VCF-style: chr17-50194829-C-G. GRCh37 (hg19) VCF-style: chr17-48272190-C-G.
Identifiers: ClinVar variation 2773193 (VCV002773193.3), dbSNP rs112101899, ClinGen allele CA400218489.

ClinVar aggregate classification (germline): Likely pathogenic (1 of 4 stars; one submission).

Conditions:
Osteogenesis imperfecta type I (OI1). Also called: OI, TYPE I; OSTEOGENESIS IMPERFECTA TARDA; OSTEOGENESIS IMPERFECTA WITH BLUE SCLERAE; Osteogenesis imperfecta type 1; Classic Non-deforming Osteogenesis Imperfecta with Blue Sclerae; Lobstein's Disease. Identifiers: Orphanet 216796, Orphanet 666, MedGen C0023931, MONDO:0008146, OMIM 166200. Disease mechanism: loss of function.

Submission:

Labcorp Genetics (formerly Invitae), Labcorp
Classification: Likely pathogenic for Osteogenesis imperfecta type I. Last evaluated: 2024-10-24. Review status: criteria provided, single submitter. Criteria: Invitae Variant Classification Sherloc (09022015). Collection method: clinical testing. Allele origin: germline.
Comment: This sequence change affects an acceptor splice site in intron 20 of the COL1A1 gene. It is expected to disrupt RNA splicing. Variants that disrupt the donor or acceptor splice site typically lead to a loss of protein function (PMID: 16199547), and loss-of-function variants in COL1A1 are known to be pathogenic (PMID: 7942841, 9295084, 9443882). This variant is not present in population databases (gnomAD no frequency). This variant has not been reported in the literature in individuals affected with COL1A1-related conditions. Algorithms developed to predict the effect of sequence changes on RNA splicing suggest that this variant may disrupt the consensus splice site. In summary, the currently available evidence indicates that the variant is pathogenic, but additional data are needed to prove that conclusively. Therefore, this variant has been classified as Likely Pathogenic.

Literature cited by the submitters: PubMed 16199547; PubMed 7942841; PubMed 9295084; PubMed 9443882.